The following is an entry in ClinVar:

ClinVar aggregate classification (germline): Uncertain significance (1 of 4 stars; one submission).

Allele frequency attached by ClinVar (database versions not stated): ExAC 0.00001.
gnomAD v4.1: 4 of 1,612,956 alleles (0.00025%); highest among the groups gnomAD compares: Admixed American, 0.0017%; no homozygotes.

Submission:

GeneDx
Classification: Uncertain significance. Last evaluated: 2020-01-16. Review status: criteria provided, single submitter. Criteria: GeneDx Variant Classification Process June 2021. Collection method: clinical testing. Allele origin: germline. Affected: yes.
Comment: Not observed at a significant frequency in large population cohorts (Lek et al., 2016); Missense variant in a gene in which most reported pathogenic variants are truncating/loss-of-function; Has not been previously published as pathogenic or benign to our knowledge

NM_001267550.2(TTN):c.77389G>A (p.Glu25797Lys)

Genes: TTN (titin; minus strand), TTN-AS1 (TTN antisense RNA 1; plus strand). Cytogenetic location: 2q31.2.
Variant type: single nucleotide variant.
Coding change: c.77389G>A on transcript NM_001267550.2 (MANE Select); coding-DNA position 77389, G replaced by A.
Protein change: p.Glu25797Lys; replaces glutamic acid 25797 with lysine.
Molecular consequence: missense variant.
Genome position (GRCh38, 1-based): chr2:178,568,743, C>T on the plus strand (G>A on the coding strand, the complement: TTN is on the minus strand). VCF-style: chr2-178568743-C-T. GRCh37 (hg19) VCF-style: chr2-179433470-C-T.
Other names: c.72466G>A, p.Glu24156Lys (NM_001256850.1); c.50194G>A, p.Glu16732Lys (NM_003319.4); c.69685G>A, p.Glu23229Lys (NM_133378.4); c.50569G>A, p.Glu16857Lys (NM_133432.3); c.50770G>A, p.Glu16924Lys (NM_133437.4); short protein forms E16732K, E16857K, E16924K, E23229K, E24156K, E25797K.
Identifiers: ClinVar variation 1311858 (VCV001311858.2), dbSNP rs753331124, ClinGen allele CA1989784.
Genomic context (GRCh38, chr2:178,568,743, plus strand): 5'-TTTTCAAATCTTGGCCAACCTGTACACTGTAACTACTGAATGCAGGTTTTACATCTGGCT[C>T]AATTACCAGATCTTTGGCAACTATTGGAACTGCAAGGGACCGAGGATCACTTCTCCCCTT-3'
Protein context (NP_001254479.2, residues 25787-25807): VPIVAKDLVI[Glu25797Lys]PDVKPAFSSY